The following is an entry in ClinVar:

NM_000383.4(AIRE):c.534G>T (p.Gly178=)

Gene: AIRE (autoimmune regulator; plus strand). Cytogenetic location: 21q22.3.
Variant type: single nucleotide variant.
Coding change: c.534G>T on transcript NM_000383.4 (MANE Select); coding-DNA position 534, G replaced by T.
Protein change: p.Gly178=; no amino-acid change (glycine 178 retained).
Molecular consequence: synonymous variant.
Genome position (GRCh38, 1-based): chr21:44,287,587, G>T. VCF-style: chr21-44287587-G-T. GRCh37 (hg19) VCF-style: chr21-45707470-G-T.
Identifiers: ClinVar variation 3616272 (VCV003616272.2).

ClinVar aggregate classification (germline): Uncertain significance (1 of 4 stars; one submission).

Conditions:
Polyglandular autoimmune syndrome, type 1 (APS1). Also called: AUTOIMMUNE POLYENDOCRINE SYNDROME, TYPE I, WITH OR WITHOUT REVERSIBLE METAPHYSEAL DYSPLASIA; APS I; Autoimmune polyendocrine syndrome type 1; Autoimmune polyendocrinopathy syndrome, type I; Autoimmune polyendocrinopathy syndrome , type I, with or without reversible metaphyseal dysplasia; Whitaker syndrome. Identifiers: Orphanet 3453, MedGen C0085859, MONDO:0009411, OMIM 240300.

Submission:

Labcorp Genetics (formerly Invitae), Labcorp
Classification: Uncertain significance for Polyglandular autoimmune syndrome, type 1. Last evaluated: 2024-05-26. Review status: criteria provided, single submitter. Criteria: Invitae Variant Classification Sherloc (09022015). Collection method: clinical testing. Allele origin: germline.
Comment: This sequence change affects codon 178 of the AIRE mRNA. It is a 'silent' change, meaning that it does not change the encoded amino acid sequence of the AIRE protein. This variant is not present in population databases (gnomAD no frequency). This variant has not been reported in the literature in individuals affected with AIRE-related conditions. Algorithms developed to predict the effect of sequence changes on RNA splicing suggest that this variant may create or strengthen a splice site. In summary, the available evidence is currently insufficient to determine the role of this variant in disease. Therefore, it has been classified as a Variant of Uncertain Significance.